The following is an entry in ClinVar:

ClinVar aggregate classification (germline): Uncertain significance (1 of 4 stars; one submission).

Submission:

GeneDx
Classification: Uncertain significance. Last evaluated: 2026-03-07. Review status: criteria provided, single submitter. Criteria: GeneDx Variant Classification Process June 2021. Collection method: clinical testing. Allele origin: germline.
Comment: Not observed at significant frequency in large population cohorts (gnomAD); In silico analysis supports a deleterious effect on splicing; Has not been previously published as pathogenic or benign to our knowledge.

NM_003482.4(KMT2D):c.401-9C>G

Gene: KMT2D (lysine methyltransferase 2D; minus strand). Cytogenetic location: 12q13.12.
Variant type: single nucleotide variant.
Coding change: c.401-9C>G on transcript NM_003482.4 (MANE Select); 9 bases into the intron before coding-DNA position 401, C replaced by G.
Molecular consequence: intron variant.
Genome position (GRCh38, 1-based): chr12:49,054,425, G>C on the plus strand (C>G on the coding strand, the complement: KMT2D is on the minus strand). VCF-style: chr12-49054425-G-C. GRCh37 (hg19) VCF-style: chr12-49448208-G-C.
Identifiers: ClinVar variation 5008787 (VCV005008787.1).